The following is an entry in ClinVar:

NM_000211.5(ITGB2):c.1542C>T (p.Cys514=)

Gene: ITGB2 (integrin subunit beta 2; minus strand). Cytogenetic location: 21q22.3.
Variant type: single nucleotide variant.
Coding change: c.1542C>T on transcript NM_000211.5 (MANE Select); coding-DNA position 1542, C replaced by T.
Protein change: p.Cys514=; no amino-acid change (cysteine 514 retained).
Molecular consequence: synonymous variant.
Genome position (GRCh38, 1-based): chr21:44,890,093, G>A on the plus strand (C>T on the coding strand, the complement: ITGB2 is on the minus strand). VCF-style: chr21-44890093-G-A. GRCh37 (hg19) VCF-style: chr21-46310008-G-A.
Other names: p.Cys514=; c.1542C>T, p.Cys514= (NM_001127491.3); c.1335C>T, p.Cys445= (NM_001303238.2).
Identifiers: ClinVar variation 461472 (VCV000461472.37), dbSNP rs2230530, ClinGen allele CA10062791.

ClinVar aggregate classification (germline): Benign/Likely benign. Review status: criteria provided, multiple submitters, no conflicts (2 of 4 stars). 7 submissions from 7 submitters: Benign (5); Likely benign (2). Last evaluated 2026-01-26.

Conditions:
Leukocyte adhesion deficiency 1 (LAD1). Also called: LAD 1; Lymphocyte function-associated antigen 1 immunodeficiency; LFA 1 immunodeficiency; LEUKOCYTE ADHESION DEFICIENCY, TYPE I. Identifiers: Orphanet 2968, Orphanet 99842, MedGen C0398738, MONDO:0007293, OMIM 116920.

Allele frequency attached by ClinVar (database versions not stated): ExAC 0.00205; gnomAD exomes 0.00206; ESP Exome Variant Server 0.00361; gnomAD 0.00399 and 0.00405; TOPMed 0.00403; 1000 Genomes Project 0.00839; 1000 Genomes Project 30x 0.00921.
gnomAD v4.1: 1,611 of 1,613,400 alleles (0.1%); highest among the groups gnomAD compares: African/African-American, 1%; 13 homozygotes.

Submissions (7):

Labcorp Genetics (formerly Invitae), Labcorp
Classification: Benign for Leukocyte adhesion deficiency 1. Last evaluated: 2026-01-26. Review status: criteria provided, single submitter. Criteria: Invitae Variant Classification Sherloc (09022015). Collection method: clinical testing. Allele origin: germline.

Women's Health and Genetics/Laboratory Corporation of America, LabCorp
Classification: Likely benign. Last evaluated: 2026-01-22. Review status: criteria provided, single submitter. Criteria: LabCorp Variant Classification Summary - May 2015. Collection method: clinical testing. Allele origin: germline.

Mayo Clinic Laboratories, Mayo Clinic
Classification: Benign. Last evaluated: 2025-09-03. Review status: criteria provided, single submitter. Criteria: ACMG Guidelines, 2015. Collection method: clinical testing. Allele origin: germline. Observed: 1 variant allele.
Comment: BS1, BS2, BP4, BP7

CeGaT Center for Human Genetics Tuebingen
Classification: Benign. Last evaluated: 2024-06-01. Review status: criteria provided, single submitter. Criteria: CeGaT Center For Human Genetics Tuebingen Variant Classification Criteria Version 2. Collection method: clinical testing. Allele origin: germline. Affected: yes. Observed: 1 variant allele.
Comment: ITGB2: BP4, BP7, BS1, BS2

Fulgent Genetics
Classification: Likely benign for Leukocyte adhesion deficiency 1. Last evaluated: 2022-04-18. Review status: criteria provided, single submitter. Criteria: ACMG Guidelines, 2015. Collection method: clinical testing. Allele origin: unknown.

Illumina Laboratory Services, Illumina
Classification: Benign for Leukocyte adhesion deficiency 1. Last evaluated: 2018-01-13. Review status: criteria provided, single submitter. Criteria: ICSL Variant Classification Criteria 13 December 2019. Collection method: clinical testing. Allele origin: germline.
Comment: This variant was observed in the ICSL laboratory as part of a predisposition screen in an ostensibly healthy population. It had not been previously curated by ICSL or reported in the Human Gene Mutation Database (HGMD: prior to June 1st, 2018), and was therefore a candidate for classification through an automated scoring system. Utilizing variant allele frequency, disease prevalence and penetrance estimates, and inheritance mode, an automated score was calculated to assess if this variant is too frequent to cause the disease. Based on the score and internal cut-off values, a variant classified as benign is not then subjected to further curation. The score for this variant resulted in a classification of benign for this disease.

Breakthrough Genomics
Classification: Benign. Review status: criteria provided, single submitter. Criteria: ACMG Guidelines, 2015. Collection method: not provided. Allele origin: germline. Inheritance: Autosomal recessive inheritance. Affected: yes.